The following is an entry in ClinVar:

NM_000322.5(PRPH2):c.*1687C>T

Gene: PRPH2 (peripherin 2; minus strand). Cytogenetic location: 6p21.1.
Variant type: single nucleotide variant.
Coding change: c.*1687C>T on transcript NM_000322.5 (MANE Select); 1687 bases downstream of the stop codon, C replaced by T.
Molecular consequence: 3 prime UTR variant.
Genome position (GRCh38, 1-based): chr6:42,696,608, G>A on the plus strand (C>T on the coding strand, the complement: PRPH2 is on the minus strand). VCF-style: chr6-42696608-G-A. GRCh37 (hg19) VCF-style: chr6-42664346-G-A.
Identifiers: ClinVar variation 356743 (VCV000356743.5), dbSNP rs139177846, ClinGen allele CA10623892.
Genomic context (GRCh38, chr6:42,696,608, plus strand): 5'-TTCTGATATATGTTGTTGAATGGGCTTAAACAGTCATTTAACAAAAGTGATTTTCATACA[G>A]TATGAATTTTAATTATCTATTGACAGCTGTTAACAGCATAGTTACACTTGTGGGCCTAGA-3'

ClinVar aggregate classification (germline): Conflicting classifications of pathogenicity. Review status: criteria provided, conflicting classifications (1 of 4 stars). 6 submissions from 1 submitter: Uncertain significance (2); Benign (3); Likely benign (1). Last evaluated 2018-01-12.

Conditions:
Retinitis pigmentosa (RP). Identifiers: Orphanet 791, MedGen C0035334, MeSH D012174, MONDO:0019200, OMIM 268000. Inheritance: Autosomal dominant, autosomal recessive and X linked inheritance.
Choroidal dystrophy, central areolar 2 (CACD2). Also called: MACULAR DYSTROPHY, PROGRESSIVE; Choriodal Dystrophy, Central Areolar 2. Identifiers: Orphanet 75377, MedGen C2751290, MONDO:0013137, OMIM 613105.
Adult-onset foveomacular vitelliform dystrophy. Also called: FOVEOMACULAR DYSTROPHY, ADULT-ONSET; FOVEOMACULAR DYSTROPHY, ADULT-ONSET, WITH OR WITHOUT CHOROIDAL NEOVASCULARIZATION; Adult onset vitelliform dystrophy. Identifiers: Orphanet 99000, MedGen C1842914, MONDO:0011979.
Pigmentary retinal dystrophy. Also called: Fundus albipunctatus. Identifiers: Orphanet 227796, Orphanet 52427, MedGen C0311338, MONDO:0007639, OMIM 136880, HP:0030642.
Cone-rod dystrophy. Also called: Cone/cone-rod dystrophy; Cone-rod degeneration. Identifiers: Orphanet 1872, MedGen C4085590, MONDO:0015993, HP:0000548.
Patterned macular dystrophy 1. Also called: BUTTERFLY DYSTROPHY OF RETINAL PIGMENT EPITHELIUM; MACULAR DYSTROPHY, BUTTERFLY-SHAPED PIGMENTARY. Identifiers: Orphanet 99001, MedGen C4551999, MONDO:0008210, OMIM 169150.

Allele frequency attached by ClinVar (database versions not stated): 1000 Genomes Project 30x 0.00078; 1000 Genomes Project 0.00100; TOPMed 0.00178; gnomAD 0.00186 and 0.00196.

Submissions (6):

Illumina Laboratory Services, Illumina
Classification: Likely benign for Retinitis pigmentosa. Last evaluated: 2018-01-12. Review status: criteria provided, single submitter. Criteria: ICSL Variant Classification Criteria 13 December 2019. Collection method: clinical testing. Allele origin: germline.
Comment: This variant was observed in the ICSL laboratory as part of a predisposition screen in an ostensibly healthy population. It had not been previously curated by ICSL or reported in the Human Gene Mutation Database (HGMD: prior to June 1st, 2018), and was therefore a candidate for classification through an automated scoring system. Utilizing variant allele frequency, disease prevalence and penetrance estimates, and inheritance mode, an automated score was calculated to assess if this variant is too frequent to cause the disease. Based on the score and internal cut-off values, a variant classified as likely benign is not then subjected to further curation. The score for this variant resulted in a classification of likely benign for this disease.

Illumina Laboratory Services, Illumina
Classification: Benign for Choroidal dystrophy, central areolar 2. Last evaluated: 2018-01-12. Review status: criteria provided, single submitter. Criteria: ICSL Variant Classification Criteria 13 December 2019. Collection method: clinical testing. Allele origin: germline.
Comment: This variant was observed in the ICSL laboratory as part of a predisposition screen in an ostensibly healthy population. It had not been previously curated by ICSL or reported in the Human Gene Mutation Database (HGMD: prior to June 1st, 2018), and was therefore a candidate for classification through an automated scoring system. Utilizing variant allele frequency, disease prevalence and penetrance estimates, and inheritance mode, an automated score was calculated to assess if this variant is too frequent to cause the disease. Based on the score and internal cut-off values, a variant classified as benign is not then subjected to further curation. The score for this variant resulted in a classification of benign for this disease.

Illumina Laboratory Services, Illumina
Classification: Benign for Cone-rod dystrophy. Last evaluated: 2018-01-12. Review status: criteria provided, single submitter. Criteria: ICSL Variant Classification Criteria 13 December 2019. Collection method: clinical testing. Allele origin: germline.
Comment: the same text as in the submission from Illumina Laboratory Services, Illumina above.

Illumina Laboratory Services, Illumina
Classification: Benign for Vitelliform macular dystrophy 3. Last evaluated: 2018-01-12. Review status: criteria provided, single submitter. Criteria: ICSL Variant Classification Criteria 13 December 2019. Collection method: clinical testing. Allele origin: germline.
Comment: the same text as in the submission from Illumina Laboratory Services, Illumina above.

Illumina Laboratory Services, Illumina
Classification: Uncertain significance for Pigmentary retinal dystrophy. Last evaluated: 2018-01-12. Review status: criteria provided, single submitter. Criteria: ICSL Variant Classification Criteria 13 December 2019. Collection method: clinical testing. Allele origin: germline.

Illumina Laboratory Services, Illumina
Classification: Uncertain significance for Patterned macular dystrophy 1. Last evaluated: 2018-01-12. Review status: criteria provided, single submitter. Criteria: ICSL Variant Classification Criteria 13 December 2019. Collection method: clinical testing. Allele origin: germline.